The following is an entry in ClinVar:

NM_173812.5(DPY19L2):c.804-14_804-13dup

Gene: DPY19L2 (dpy-19 like 2; minus strand). Cytogenetic location: 12q14.2.
Variant type: Duplication.
Coding change: c.804-14_804-13dup on transcript NM_173812.5 (MANE Select); 14 bases into the intron before coding-DNA position 804 through 13 bases into the intron before coding-DNA position 804, 2 bases duplicated (TT; older notation c.804-14_804-13dupTT).
Molecular consequence: intron variant.
Genome position (GRCh38, 1-based): chr12:63,626,531-63,626,532, AA duplicated on the plus strand (TT on the coding strand, the reverse complement: DPY19L2 is on the minus strand); duplicating any 2 consecutive bases within chr12:63,626,531-63,626,540 gives the same sequence; the c. name uses the placement nearest the transcript's 3' end. VCF-style (leftmost placement, unchanged base first): chr12-63626530-T-TAA. GRCh37 (hg19) VCF-style: chr12-64020310-T-TAA.
Other names: NM_173812.4:c.804-6_804-5dupTT.
Identifiers: ClinVar variation 402795 (VCV000402795.4), dbSNP rs371578418, ClinGen allele CA6665669.

ClinVar aggregate classification (germline): Benign (1 of 4 stars; one submission).

Submission:

Laboratory for Molecular Medicine, Mass General Brigham Personalized Medicine
Classification: Benign. Last evaluated: 2016-03-29. Review status: criteria provided, single submitter. Criteria: LMM Criteria. Collection method: clinical testing. Allele origin: germline.
Comment: Variant identified in a genome or exome case(s) and assessed due to predicted null impact of the variant or pathogenic assertions in the literature or databases. Disclaimer: This variant has not undergone full assessment. The following are preliminary notes: Frequency